The following is an entry in ClinVar:

ClinVar aggregate classification (germline): Uncertain significance. Review status: criteria provided, multiple submitters, no conflicts (2 of 4 stars). 2 submissions from 2 submitters: Uncertain significance (2). Last evaluated 2026-01-12.

Conditions:
Hereditary cancer-predisposing syndrome. Also called: Tumor predisposition; Hereditary neoplastic syndrome; Hereditary Cancer Syndrome; Neoplastic Syndromes, Hereditary. Identifiers: Orphanet 140162, MedGen C0027672, MeSH D009386, MONDO:0015356.
Carney complex, type 1 (CNC1). Also called: CARNEY MYXOMA-ENDOCRINE COMPLEX; CARNEY COMPLEX, TYPE I. Identifiers: Orphanet 1359, MedGen C2607929, MONDO:0008057, OMIM 160980.

Allele frequency attached by ClinVar (database versions not stated): gnomAD exomes below 0.00001; ExAC 0.00001; gnomAD 0.00001; TOPMed 0.00001.
gnomAD v4.1: 4 of 1,614,016 alleles (0.00025%); highest among the groups gnomAD compares: African/African-American, 0.0013%; no homozygotes.

Submissions (2):

Labcorp Genetics (formerly Invitae), Labcorp
Classification: Uncertain significance for Carney complex, type 1. Last evaluated: 2026-01-12. Review status: criteria provided, single submitter. Criteria: Invitae Variant Classification Sherloc (09022015). Collection method: clinical testing. Allele origin: germline.
Comment: This sequence change replaces alanine, which is neutral and non-polar, with threonine, which is neutral and polar, at codon 62 of the PRKAR1A protein (p.Ala62Thr). This variant is present in population databases (rs775514809, gnomAD 0.007%). This variant has not been reported in the literature in individuals affected with PRKAR1A-related conditions. ClinVar contains an entry for this variant (Variation ID: 961240). Invitae Evidence Modeling of protein sequence and biophysical properties (such as structural, functional, and spatial information, amino acid conservation, physicochemical variation, residue mobility, and thermodynamic stability) indicates that this missense variant is not expected to disrupt PRKAR1A protein function with a negative predictive value of 95%. In summary, the available evidence is currently insufficient to determine the role of this variant in disease. Therefore, it has been classified as a Variant of Uncertain Significance.

Ambry Genetics
Classification: Uncertain significance for Hereditary cancer-predisposing syndrome. Last evaluated: 2023-07-27. Review status: criteria provided, single submitter. Criteria: Ambry Variant Classification Scheme 2023. Collection method: clinical testing. Allele origin: germline.
Comment: The p.A62T variant (also known as c.184G>A), located in coding exon 2 of the PRKAR1A gene, results from a G to A substitution at nucleotide position 184. The alanine at codon 62 is replaced by threonine, an amino acid with similar properties. This amino acid position is conserved. In addition, this alteration is predicted to be tolerated by in silico analysis. Since supporting evidence is limited at this time, the clinical significance of this alteration remains unclear.

NM_002734.5(PRKAR1A):c.184G>A (p.Ala62Thr)

Gene: PRKAR1A (protein kinase cAMP-dependent type I regulatory subunit alpha; plus strand). Cytogenetic location: 17q24.2.
Variant type: single nucleotide variant.
Coding change: c.184G>A on transcript NM_002734.5 (MANE Select); coding-DNA position 184, G replaced by A.
Protein change: p.Ala62Thr; replaces alanine 62 with threonine.
Molecular consequence: missense variant.
Genome position (GRCh38, 1-based): chr17:68,522,762, G>A. VCF-style: chr17-68522762-G-A. GRCh37 (hg19) VCF-style: chr17-66518903-G-A.
Other names: c.184G>A, p.Ala62Thr (NM_001276289.2, NM_001276290.1, NM_001278433.2 and 4 more transcripts); c.184G>A (NM_002734.3); short protein forms A62T.
Identifiers: ClinVar variation 961240 (VCV000961240.11), dbSNP rs775514809, ClinGen allele CA8729192.